The following is an entry in ClinVar:

NM_006393.3(NEBL):c.1940A>G (p.Glu647Gly)

Gene: NEBL (nebulette; minus strand). Cytogenetic location: 10p12.31.
Variant type: single nucleotide variant.
Coding change: c.1940A>G on transcript NM_006393.3 (MANE Select); coding-DNA position 1940, A replaced by G.
Protein change: p.Glu647Gly; replaces glutamic acid 647 with glycine.
Molecular consequence: missense variant. On other transcripts: intron variant (9).
Genome position (GRCh38, 1-based): chr10:20,823,230, T>C on the plus strand (A>G on the coding strand, the complement: NEBL is on the minus strand). VCF-style: chr10-20823230-T-C. GRCh37 (hg19) VCF-style: chr10-21112159-T-C.
Other names: c.250-10290A>G (NM_001377326.1, NM_001377327.1, NM_001377328.1); c.358-10290A>G (NM_213569.2, NM_001173484.2, NM_001377322.1); c.301-10290A>G (NM_001377324.1); c.292-10290A>G (NM_001377325.1); c.310-10290A>G (NM_001377323.1); short protein forms E647G.
Identifiers: ClinVar variation 2012807 (VCV002012807.4), dbSNP rs1839524642, ClinGen allele CA376095448.
Genomic context (GRCh38, chr10:20,823,230, plus strand): 5'-AATAAAATTTTTAAAAAATACTTAAGAAATATGATCACATTGCTGATGTTCTTCTGGTTT[T>C]CTTTAACTCTCTTTAGTTCTGGAGGATCAGAAATGGCTGTTGCATGTTTAATCTCTTCTT-3'
Protein context (NP_006384.1, residues 637-657): SDPPELKRVK[Glu647Gly]NQKNISNLQY

ClinVar aggregate classification (germline): Uncertain significance (1 of 4 stars; one submission).

Conditions:
Primary dilated cardiomyopathy (DCM). Also called: Dilated Cardiomyopathy. Identifiers: Orphanet 217604, MedGen C0007193, MeSH D002311, MONDO:0005021, HP:0001644. Inheritance: Various modes of inheritance.

Allele frequency attached by ClinVar (database versions not stated): TOPMed below 0.00001.
gnomAD v4.1: 1 of 1,608,278 alleles (0.000062%); highest among the groups gnomAD compares: African/African-American, 0.0013%; no homozygotes.

Submission:

Labcorp Genetics (formerly Invitae), Labcorp
Classification: Uncertain significance for Primary dilated cardiomyopathy. Last evaluated: 2022-07-01. Review status: criteria provided, single submitter. Criteria: Invitae Variant Classification Sherloc (09022015). Collection method: clinical testing. Allele origin: germline.
Comment: In summary, the available evidence is currently insufficient to determine the role of this variant in disease. Therefore, it has been classified as a Variant of Uncertain Significance. Algorithms developed to predict the effect of missense changes on protein structure and function are either unavailable or do not agree on the potential impact of this missense change (SIFT: "Deleterious"; PolyPhen-2: "Benign"; Align-GVGD: "Class C0"). This variant has not been reported in the literature in individuals affected with NEBL-related conditions. This variant is not present in population databases (gnomAD no frequency). This sequence change replaces glutamic acid, which is acidic and polar, with glycine, which is neutral and non-polar, at codon 647 of the NEBL protein (p.Glu647Gly).